The following is an entry in ClinVar:

ClinVar aggregate classification (germline): Pathogenic/Likely pathogenic. Review status: criteria provided, multiple submitters, no conflicts (2 of 4 stars). 3 submissions from 3 submitters: Pathogenic (2); Likely pathogenic (1). Last evaluated 2026-09-08.

Conditions:
Fabry disease. Also called: GLA DEFICIENCY; HEREDITARY DYSTOPIC LIPIDOSIS; Fabry's disease; Angiokeratoma corporis diffusum; Ceramide trihexosidosis; ALPHA-GALACTOSIDASE A DEFICIENCY. Identifiers: Orphanet 324, MedGen C0002986, MONDO:0010526, OMIM 301500, HP:0001071. Disease mechanism: loss of function, Fabry disease is due to inactivating mutations in the X-linked GLA gene resulting in deficiency of the enzyme Alpha Galactosidase-A..

Submissions (3):

Genomenon, Inc
Classification: Likely pathogenic for Fabry disease. Last evaluated: 2026-09-08. Review status: criteria provided, single submitter. Criteria: Genomenon Sequence Variant Interpretation Standards - Updated. Collection method: curation. Allele origin: germline. Affected: yes.
Comment: GLA p.Asn224Ser (c.671A>G) is a missense variant that changes the amino acid at codon 224 from Asparagine to Serine. This variant has been observed in at least one proband with clinical features consistent with Fabry disease (PMID:36816376;17452128;24094560;32843101;36745055;10916280;27225851;36140787;39225306;39182239;27992580;33963373). The variant was found to segregate with disease in at least one affected family (PMID:36140787). Functional or patient cell studies have been reported (PMID:24386359;32843101;32023956;36140787;23935525;27225851;36816376;27657681;17452128;39225306). This variant is located in a mutational hotspot and/or important functional domain. It is absent or not present at a significant frequency in gnomAD. In silico models predict that this variant is possibly or probably damaging. In conclusion, we classify GLA p.Asn224Ser (c.671A>G) as a likely pathogenic variant.

Women's Health and Genetics/Laboratory Corporation of America, LabCorp
Classification: Pathogenic for Fabry disease. Last evaluated: 2021-02-23. Review status: criteria provided, single submitter. Criteria: LabCorp Variant Classification Summary - May 2015. Collection method: clinical testing. Allele origin: germline.
Comment: Variant summary: GLA c.671A>G (p.Asn224Ser) results in a conservative amino acid change in the encoded protein sequence. Four of five in-silico tools predict a damaging effect of the variant on protein function. The variant was absent in 183422 control chromosomes. These data indicate that the variant is very likely to be associated with disease. In papers reporting alpha-Gal activity of patients, the levels range from <10% of normal activit to 50% or normal activity (Sadick_2007, Seo_2016) and in vitro enzyme activity was reported to be around 30%, increasing to around 80% with the addition of 1-deoxygalactonojirimycin (DGJ) (Lukas_2013). No clinical diagnostic laboratories have submitted clinical-significance assessments for this variant to ClinVar after 2014. Based on the evidence outlined above, the variant was classified as pathogenic.

Revvity Omics, Revvity
Classification: Pathogenic. Last evaluated: 2019-06-17. Review status: criteria provided, single submitter. Criteria: ACMG Guidelines, 2015. Collection method: clinical testing. Allele origin: germline.

Literature cited by the submitters: PubMed 36816376 (cited by Genomenon, Inc); PubMed 17452128 (cited by Genomenon, Inc and Women's Health and Genetics/Laboratory Corporation of America, LabCorp); PubMed 24094560 (cited by Genomenon, Inc); PubMed 32843101 (cited by Genomenon, Inc); PubMed 36745055 (cited by Genomenon, Inc); PubMed 10916280 (cited by Genomenon, Inc and Women's Health and Genetics/Laboratory Corporation of America, LabCorp); PubMed 27225851 (cited by Genomenon, Inc and Women's Health and Genetics/Laboratory Corporation of America, LabCorp); PubMed 36140787 (cited by Genomenon, Inc); PubMed 39225306 (cited by Genomenon, Inc); PubMed 39182239 (cited by Genomenon, Inc); PubMed 27992580 (cited by Genomenon, Inc); PubMed 33963373 (cited by Genomenon, Inc); PubMed 24386359 (cited by Genomenon, Inc); PubMed 32023956 (cited by Genomenon, Inc); PubMed 23935525 (cited by Genomenon, Inc and Women's Health and Genetics/Laboratory Corporation of America, LabCorp); PubMed 27657681 (cited by Genomenon, Inc); PubMed 32042454 (cited by Women's Health and Genetics/Laboratory Corporation of America, LabCorp); PubMed 33016649 (cited by Women's Health and Genetics/Laboratory Corporation of America, LabCorp).

NM_000169.3(GLA):c.671A>G (p.Asn224Ser)

Genes: GLA (galactosidase alpha; minus strand), RPL36A-HNRNPH2 (RPL36A-HNRNPH2 readthrough; plus strand). Cytogenetic location: Xq22.1.
Variant type: single nucleotide variant.
Coding change: c.671A>G on transcript NM_000169.3 (MANE Select); coding-DNA position 671, A replaced by G.
Protein change: p.Asn224Ser; replaces asparagine 224 with serine.
Molecular consequence: missense variant. On other transcripts: non-coding transcript variant (3), intron variant (2).
Genome position (GRCh38, 1-based): chrX:101,398,915, T>C on the plus strand (A>G on the coding strand, the complement: GLA is on the minus strand). VCF-style: chrX-101398915-T-C. GRCh37 (hg19) VCF-style: chrX-100653903-T-C.
Other names: c.794A>G, p.Asn265Ser (NM_001406747.1); c.671A>G, p.Asn224Ser (NM_001406748.1); c.300+3458T>C (NM_001199973.2); c.177+7093T>C (NM_001199974.2); short protein forms N224S, N265S.
Identifiers: ClinVar variation 222365 (VCV000222365.7), dbSNP rs869312383, ClinGen allele CA352926.